The following is an entry in ClinVar:

ClinVar aggregate classification (germline): Uncertain significance. Review status: criteria provided, multiple submitters, no conflicts (2 of 4 stars). 2 submissions from 2 submitters: Uncertain significance (2). Last evaluated 2025-09-01.

Conditions:
Glanzmann thrombasthenia. Also called: PLATELET GLYCOPROTEIN IIb-IIIa DEFICIENCY; Glanzmann's thrombasthenia; BLEEDING DISORDER, PLATELET-TYPE, 2; THROMBASTHENIA OF GLANZMANN AND NAEGELI; Thrombasthenia. Identifiers: Orphanet 849, MedGen C0040015, MONDO:0100326.

Submissions (2):

Labcorp Genetics (formerly Invitae), Labcorp
Classification: Uncertain significance for Glanzmann thrombasthenia. Last evaluated: 2025-09-01. Review status: criteria provided, single submitter. Criteria: Invitae Variant Classification Sherloc (09022015). Collection method: clinical testing. Allele origin: germline.
Comment: This sequence change replaces serine, which is neutral and polar, with asparagine, which is neutral and polar, at codon 503 of the ITGA2B protein (p.Ser503Asn). This variant is present in population databases (rs281864910, gnomAD 0.009%). This missense change has been observed in individual(s) with neonatal thrombocytopenia (PMID: 20723174). This variant is also known as c.1508G>A p.Ser472Asn. ClinVar contains an entry for this variant (Variation ID: 3768403). Invitae Evidence Modeling of protein sequence and biophysical properties (such as structural, functional, and spatial information, amino acid conservation, physicochemical variation, residue mobility, and thermodynamic stability) indicates that this missense variant is not expected to disrupt ITGA2B protein function with a negative predictive value of 95%. Experimental studies are conflicting or provide insufficient evidence to determine the effect of this variant on ITGA2B function (PMID: 20723174). In summary, the available evidence is currently insufficient to determine the role of this variant in disease. Therefore, it has been classified as a Variant of Uncertain Significance.

Women's Health and Genetics/Laboratory Corporation of America, LabCorp
Classification: Uncertain significance. Last evaluated: 2024-12-26. Review status: criteria provided, single submitter. Criteria: LabCorp Variant Classification Summary - May 2015. Collection method: clinical testing. Allele origin: germline.
Comment: Variant summary: ITGA2B c.1508G>A (p.Ser503Asn) results in a conservative amino acid change located in the Integrin alpha Ig-like domain 1 (IPR013649) of the encoded protein sequence. Five of five in-silico tools predict a benign effect of the variant on protein function. The variant allele was found at a frequency of 2.8e-05 in 251354 control chromosomes. The available data on variant occurrences in the general population are insufficient to allow any conclusion about variant significance. c.1508G>A has been reported in the literature in individuals affected with ITGA2B-Related Disorders (Jallu_2011). These report(s) do not provide unequivocal conclusions about association of the variant with ITGA2B-Related Disorders. At least one publication reports experimental evidence evaluating an impact on protein function. These results showed no damaging effect of this variant. The following publication have been ascertained in the context of this evaluation (PMID: 20723174). No submitters have cited clinical-significance assessments for this variant to ClinVar. Based on the evidence outlined above, the variant was classified as uncertain significance.

Literature cited by the submitters: PubMed 20723174 (cited by Labcorp Genetics (formerly Invitae), Labcorp and Women's Health and Genetics/Laboratory Corporation of America, LabCorp).

NM_000419.5(ITGA2B):c.1508G>A (p.Ser503Asn)

Gene: ITGA2B (integrin subunit alpha 2b; minus strand). Cytogenetic location: 17q21.31.
Variant type: single nucleotide variant.
Coding change: c.1508G>A on transcript NM_000419.5 (MANE Select); coding-DNA position 1508, G replaced by A.
Protein change: p.Ser503Asn; replaces serine 503 with asparagine.
Molecular consequence: missense variant.
Genome position (GRCh38, 1-based): chr17:44,380,422, C>T on the plus strand (G>A on the coding strand, the complement: ITGA2B is on the minus strand). VCF-style: chr17-44380422-C-T. GRCh37 (hg19) VCF-style: chr17-42457790-C-T.
Other names: short protein forms S503N.
Identifiers: ClinVar variation 3768403 (VCV003768403.2).